The following is an entry in ClinVar:

NM_000059.4(BRCA2):c.7617+1G>A

Gene: BRCA2 (BRCA2 DNA repair associated; plus strand). Cytogenetic location: 13q13.1.
Variant type: single nucleotide variant.
Coding change: c.7617+1G>A on transcript NM_000059.4 (MANE Select); the canonical splice donor site of the intron after coding-DNA position 7617, G replaced by A.
Molecular consequence: splice donor variant.
Genome position (GRCh38, 1-based): chr13:32,356,610, G>A. VCF-style: chr13-32356610-G-A. GRCh37 (hg19) VCF-style: chr13-32930747-G-A.
Other names: IVS15+1G>A; c.7617+1G>A (NM_001406720.1); c.7521+1G>A (NM_001406719.1); c.2685+1G>A (NM_001406721.1); c.1200+1G>A (NM_001406722.1).
Identifiers: ClinVar variation 52362 (VCV000052362.55), dbSNP rs397507922, ClinGen allele CA025182.

ClinVar aggregate classification (germline): Pathogenic. Review status: reviewed by expert panel (3 of 4 stars). 19 submissions from 19 submitters: Pathogenic (1). 18 of the submissions do not count toward it. Last evaluated 2016-04-15.

Conditions:
BRCA2-related disorder. Also called: BRCA2-related condition; BRCA2-related disorders. Identifiers: MedGen CN239275.
Hereditary cancer-predisposing syndrome. Also called: Hereditary Cancer Syndrome; Tumor predisposition; Neoplastic Syndromes, Hereditary; Hereditary neoplastic syndrome. Identifiers: Orphanet 140162, MedGen C0027672, MeSH D009386, MONDO:0015356.
Hereditary breast ovarian cancer syndrome. Also called: Breast and ovarian cancer; BRCA1- and BRCA2-Associated Hereditary Breast and Ovarian Cancer; Hereditary breast and ovarian cancer; Hereditary breast and ovarian cancer syndrome (HBOC); Hereditary breast and ovarian cancer syndrome; Hereditary breast and/or ovarian cancer syndrome. Identifiers: Orphanet 145, MedGen C0677776, MeSH D061325, MONDO:0003582. Disease mechanism: loss of function.
Breast-ovarian cancer, familial, susceptibility to, 2 (BROVCA2). Also called: BRCA2 Hereditary Breast and Ovarian Cancer. Identifiers: Orphanet 145, MedGen C2675520, MONDO:0012933, OMIM 612555. Disease mechanism: loss of function.
Familial cancer of breast. Also called: BREAST CANCER, FAMILIAL; hereditary breast carcinoma; Hereditary breast cancer. Identifiers: Orphanet 227535, MedGen C0346153, MONDO:0016419, OMIM 114480. Disease mechanism: loss of function.

Allele frequency attached by ClinVar (database versions not stated): gnomAD exomes below 0.00001.
gnomAD v4.1: 1 of 1,613,814 alleles (0.000062%); no homozygotes.

Submissions 1 to 10 of 19:

Evidence-based Network for the Interpretation of Germline Mutant Alleles (ENIGMA)
Classification: Pathogenic for Breast-ovarian cancer, familial, susceptibility to, 2. Last evaluated: 2016-04-15. Review status: reviewed by expert panel. Criteria: ENIGMA BRCA1/2 Classification Criteria (2015). Collection method: curation. Allele origin: germline.
Comment: Allele-specific assay on patient-derived mRNA demonstrated that the variant allele produces only predicted non-functional transcripts. Variant allele produces r.7436_7617del transcript (encoding predicted non-functional protein).

Women's Health and Genetics/Laboratory Corporation of America, LabCorp
Classification: Pathogenic for Hereditary breast ovarian cancer syndrome. Last evaluated: 2026-03-06. Review status: criteria provided, single submitter. Criteria: LabCorp Variant Classification Summary - May 2015. Collection method: clinical testing. Allele origin: germline. Not counted in ClinVar's aggregate classification.
Comment: Variant summary: BRCA2 c.7617+1G>A is located in a canonical splice-site and is predicted to affect mRNA splicing resulting in a significantly altered protein due to either exon skipping, shortening, or inclusion of intronic material. Variants that disrupt the consensus splice site are a relatively common cause of aberrant splicing and loss of BRCA2 function. Several computational tools predict a significant impact on normal splicing: Four predict the variant abolishes a 5' splicing donor site. One predict the variant weakens a 3' acceptor site. Studies have shown that disruption of this splice site results in skipping of exon 15, and produces a non-functional protein and/or introduces a premature termination codon (example: Thomassen_2011). The variant was absent in 250476 control chromosomes. c.7617+1G>A has been observed in multiple individuals affected with Hereditary Breast And Ovarian Cancer Syndrome and has been shown to segregate in families (example: Thomassen_2011). These data indicate that the variant is very likely to be associated with disease. The following publication has been ascertained in the context of this evaluation (PMID: 21184276). ClinVar contains an entry for this variant (Variation ID: 52362). Based on the evidence outlined above, the variant was classified as pathogenic.

Center for Genomic Medicine, Rigshospitalet, Copenhagen University Hospital
Classification: Pathogenic. Last evaluated: 2025-12-29. Review status: criteria provided, single submitter. Criteria: ACMG Guidelines, 2015. Collection method: clinical testing. Allele origin: germline. Not counted in ClinVar's aggregate classification.

Labcorp Genetics (formerly Invitae), Labcorp
Classification: Pathogenic for Hereditary breast ovarian cancer syndrome. Last evaluated: 2025-11-17. Review status: criteria provided, single submitter. Criteria: Invitae Variant Classification Sherloc (09022015). Collection method: clinical testing. Allele origin: germline. Not counted in ClinVar's aggregate classification.
Comment: This sequence change affects a donor splice site in intron 15 of the BRCA2 gene. RNA analysis indicates that disruption of this splice site induces altered splicing and may result in an absent or altered protein product. This variant is not present in population databases (gnomAD no frequency). Disruption of this splice site has been observed in individual(s) with breast and/or ovarian cancer (PMID: 21184276, 24123850). It has also been observed to segregate with disease in related individuals. ClinVar contains an entry for this variant (Variation ID: 52362). Studies have shown that disruption of this splice site results in skipping of exon 15, and produces a non-functional protein and/or introduces a premature termination codon (PMID: 18712473, 21184276, 24123850). For these reasons, this variant has been classified as Pathogenic.

PreventionGenetics, part of Exact Sciences
Classification: Pathogenic for BRCA2-related condition. Last evaluated: 2025-10-22. Review status: criteria provided, single submitter. Criteria: ACMG Guidelines, 2015. Collection method: clinical testing. Allele origin: germline. Not counted in ClinVar's aggregate classification.
Comment: The BRCA2 c.7617+1G>A variant is predicted to disrupt the GT donor site and interfere with normal splicing. This variant (also described as IVS15+1G>A and 7845+1G>A) has been reported in multiple individuals with a personal and family history of hereditary breast and/or ovarian cancer (Bergthorsson et al. 2001. PubMed ID: 11389159; Ang et al. 2007. PubMed ID: 18006916; Thomassen et al. 2011. PubMed ID: 21184276; Deng et al. 2019. PubMed ID: 30720863), prostate cancer (Roed Nielsen et al. 2016. PubMed ID: 26360800), and pancreatic cancer (Supplementary Table 4, Bertelsen et al. 2019. PubMed ID: 31263571). It has also been detected in two male breast cancer patients (Ding et al. 2011. PubMed ID: 20927582; Roed Nielsen et al. 2016. PubMed ID: 26360800). Of note, this variant has been reported at elevated frequencies in the Danish population, likely due to a founder effect (Thomassen et al. 2011. PubMed ID: 21184276; Nielsen et al. 2016. PubMed ID: 26833046). RNA sequencing analysis has confirmed that this variant disrupts the canonical splice donor site and leads to exon 15 skipping in ~92% of mutant mRNAs (Thomassen et al. 2011. PubMed ID: 21184276). This variant has not been reported in the gnomAD database and is interpreted as pathogenic by multiple laboratories in ClinVar (Variation ID: 52362). Taken together, this variant is interpreted as pathogenic.

CeGaT Center for Human Genetics Tuebingen
Classification: Pathogenic. Last evaluated: 2025-03-01. Review status: criteria provided, single submitter. Criteria: CeGaT Center For Human Genetics Tuebingen Variant Classification Criteria Version 2. Collection method: clinical testing. Allele origin: germline. Affected: yes. Observed: 4 variant alleles. Not counted in ClinVar's aggregate classification.
Comment: BRCA2: PVS1, PP1:Strong, PM2, PS4:Moderate

Ambry Genetics
Classification: Pathogenic for Hereditary cancer-predisposing syndrome. Last evaluated: 2024-11-26. Review status: criteria provided, single submitter. Criteria: Ambry Variant Classification Scheme 2023. Collection method: clinical testing. Allele origin: germline. Not counted in ClinVar's aggregate classification.
Comment: The c.7617+1G>A intronic pathogenic mutation results from a G to A substitution one nucleotide after coding exon 14 of the BRCA2 gene. This nucleotide position is highly conserved in available vertebrate species. This alteration has been described as a Danish founder pathogenic mutation and it segregates strongly with disease in many Danish families (Thomassen M et al. Breast Cancer Res. Treat., 2011 Jul;128:179-85; de Juan Jim&eacute;nez I et al. Fam. Cancer, 2013 Dec;12:767-77; Roed Nielsen H et al. Acta Oncol, 2016 Sep;55:38-44; Nielsen HR et al. Fam. Cancer, 2016 Oct;15:507-12 ). In silico splice site analysis predicts that this alteration will weaken the native splice donor site. RNA analyses using patient RNA and minigene assays have shown this alteration results in complete loss of exon 15 (Ambry internal data; Bergthorsson JT et al. J. Med. Genet., 2001 Jun;38:361-8; Guti&eacute;rrez-Enr&iacute;quez S et al. Breast Cancer Res. Treat., 2009 Sep;117:461-5; Thomassen M et al. Breast Cancer Res. Treat., 2011 Jul;128:179-85; Fraile-Bethencourt E et al. Front Genet, 2019 May;10:503; de Garibay GR et al. Hum Mutat, 2014 Jan;35:53-7). Of note, this alteration is also designated as IVS15+1G>A and 7845+1G>A in published literature. This variant is considered to be rare based on population cohorts in the Genome Aggregation Database (gnomAD). In addition to the clinical data presented in the literature, alterations that disrupt the canonical splice site are expected to cause aberrant splicing, resulting in an abnormal protein or a transcript that is subject to nonsense-mediated mRNA decay. As such, this alteration is classified as a disease-causing mutation.

Mayo Clinic Laboratories, Mayo Clinic
Classification: Pathogenic. Last evaluated: 2024-05-28. Review status: criteria provided, single submitter. Criteria: ACMG Guidelines, 2015. Collection method: clinical testing. Allele origin: germline. Observed: 1 variant allele. Not counted in ClinVar's aggregate classification.
Comment: PP1_very_strong, PM2, PVS1

Department of Clinical Genetics, Copenhagen University Hospital, Rigshospitalet
Classification: Pathogenic for Breast-ovarian cancer, familial, susceptibility to, 2. Last evaluated: 2024-05-27. Review status: criteria provided, single submitter. Criteria: ACMG Guidelines, 2015. Collection method: clinical testing. Allele origin: germline. Affected: yes. Not counted in ClinVar's aggregate classification.
Comment: PVS1 (RNA); PM2_Supporting; PP1

Molecular Pathology, Peter Maccallum Cancer Centre
Classification: Pathogenic for Breast-ovarian cancer, familial, susceptibility to, 2. Last evaluated: 2024-05-08. Review status: criteria provided, single submitter. Criteria: ACMG Guidelines, 2015. Collection method: clinical testing. Allele origin: germline. Inheritance: Autosomal dominant inheritance. Not counted in ClinVar's aggregate classification.